The following is an entry in ClinVar:

ClinVar aggregate classification (germline): Uncertain significance. Review status: criteria provided, multiple submitters, no conflicts (2 of 4 stars). 2 submissions from 2 submitters: Uncertain significance (2). Last evaluated 2024-10-22.

Conditions:
Junctional epidermolysis bullosa, non-Herlitz type. Also called: EPIDERMOLYSIS BULLOSA, JUNCTIONAL 1A, INTERMEDIATE; Epidermolysis bullosa, junctional, non-herlitz type, somatic mosaic revertant; EPIDERMOLYSIS BULLOSA JUNCTIONALIS, DISENTIS TYPE; EPIDERMOLYSIS BULLOSA JUNCTIONALIS, NON-HERLITZ TYPE; EPIDERMOLYSIS BULLOSA JUNCTIONALIS, PROGRESSIVE; EPIDERMOLYSIS BULLOSA JUNCTIONALIS, SEVERE NONLETHAL. Identifiers: Orphanet 251393, Orphanet 79402, Orphanet 79405, Orphanet 89840, MedGen C0268374, MONDO:0009180, OMIM 226650.

Submissions (2):

Women's Health and Genetics/Laboratory Corporation of America, LabCorp
Classification: Uncertain significance. Last evaluated: 2024-10-22. Review status: criteria provided, single submitter. Criteria: LabCorp Variant Classification Summary - May 2015. Collection method: clinical testing. Allele origin: germline.
Comment: Variant summary: LAMB3 c.761G>A (p.Gly254Asp) results in a non-conservative amino acid change located in the Laminin-type EGF domain (IPR002049) of the encoded protein sequence. Five of five in-silico tools predict a damaging effect of the variant on protein function. The variant was absent in 251350 control chromosomes. c.761G>A has been reported in the literature in at least one homozygous individual affected with Junctional Epidermolysis Bullosa (El Hachem_2016). These data indicate that the variant may be associated with disease. To our knowledge, no experimental evidence demonstrating an impact on protein function has been reported. The following publications have been ascertained in the context of this evaluation (PMID: 28561256, 27120332, 33274474). No submitters have cited clinical-significance assessments for this variant to ClinVar. Based on the evidence outlined above, the variant was classified as VUS-possibly pathogenic.

Neuberg Centre For Genomic Medicine, NCGM
Classification: Uncertain significance for Junctional epidermolysis bullosa, non-Herlitz type. Last evaluated: 2023-06-22. Review status: criteria provided, single submitter. Criteria: ACMG Guidelines, 2015. Collection method: clinical testing. Allele origin: germline. Inheritance: Autosomal recessive inheritance. Affected: yes.
Comment: The observed missense c.761G>Ap.Gly254Asp variant in LAMB3 gene has been reported previously in homozygous state in individuals affected with Junctional epidermolysis bullosa JEB El Hachem et al., 2016. This variant is absent in gnomAD Exomes. The amino acid Gly at position 254 is changed to a Asp changing protein sequence and it might alter its composition and physico-chemical properties. The amino acid change p.Gly254Asp in LAMB3 is predicted as conserved by GERP++ and PhyloP across 100 vertebrates. Multiple lines of computational evidence Polyphen - Damaging, SIFT - Damaging, and MutationTaster - Disease causing predict a damaging effect on protein structure and function for this variant. For these reasons, this variant has been classified as Uncertain Significance.

Literature cited by the submitters: PubMed 33274474 (cited by Women's Health and Genetics/Laboratory Corporation of America, LabCorp); PubMed 28561256 (cited by Women's Health and Genetics/Laboratory Corporation of America, LabCorp); PubMed 27120332 (cited by Women's Health and Genetics/Laboratory Corporation of America, LabCorp).

NM_000228.3(LAMB3):c.761G>A (p.Gly254Asp)

Gene: LAMB3 (laminin subunit beta 3; minus strand). Cytogenetic location: 1q32.2.
Variant type: single nucleotide variant.
Coding change: c.761G>A on transcript NM_000228.3 (MANE Select); coding-DNA position 761, G replaced by A.
Protein change: p.Gly254Asp; replaces glycine 254 with aspartic acid.
Molecular consequence: missense variant.
Genome position (GRCh38, 1-based): chr1:209,632,644, C>T on the plus strand (G>A on the coding strand, the complement: LAMB3 is on the minus strand). VCF-style: chr1-209632644-C-T. GRCh37 (hg19) VCF-style: chr1-209805989-C-T.
Other names: c.761G>A, p.Gly254Asp (NM_001017402.2, NM_001127641.1); short protein forms G254D.
Identifiers: ClinVar variation 3385146 (VCV003385146.2).